The following is an entry in ClinVar:

ClinVar aggregate classification (germline): Uncertain significance. Review status: criteria provided, multiple submitters, no conflicts (2 of 4 stars). 4 submissions from 4 submitters: Uncertain significance (3). 1 of the submissions does not count toward it. Last evaluated 2025-10-16.

Submissions (4):

Quest Diagnostics Nichols Institute San Juan Capistrano
Classification: Uncertain significance. Last evaluated: 2025-10-16. Review status: criteria provided, single submitter. Criteria: Quest Diagnostics criteria. Collection method: clinical testing. Allele origin: unknown.
Comment: The HBB c.134C>G (p.Ser45Cys) (also known as Hb Mississippi and CD 44 TCC>TGC) variant has been reported in the published literature in heterozygous state in individuals with normal clinical and hematological presentations (PMID: 2434529 (1987)). This variant in the compound heterozygous state has been reported in an individual with beta thalassemia intermedia phenotype (PMID: 2434529 (1987)). Additionally, this variant has been reported to be mildly unstable however instability of this variant is insufficient to cause hemolytic disease in the simple heterozygote (PMID: 2434529 (1987), HbVar). This variant has not been reported in large, multi-ethnic general populations (Genome Aggregation Database). Analysis of this variant using bioinformatics tools for the prediction of the effect of amino acid changes on protein structure and function yielded predictions that this variant is damaging. Based on the available information, we are unable to determine the clinical significance of this variant.

Women's Health and Genetics/Laboratory Corporation of America, LabCorp
Classification: Uncertain significance. Last evaluated: 2024-11-18. Review status: criteria provided, single submitter. Criteria: LabCorp Variant Classification Summary - May 2015. Collection method: clinical testing. Allele origin: germline.
Comment: Variant summary: HBB c.134C>G (p.Ser45Cys) results in a non-conservative amino acid change in the encoded protein sequence. Four of five in-silico tools predict a damaging effect of the variant on protein function. The variant was absent in 251414 control chromosomes (gnomAD). The available data on variant occurrences in the general population are insufficient to allow any conclusion about variant significance. c.134C>G has been reported in the literature in an individual affected with features of Beta Thalassemia Intermedia who was compound heterozygous with a beta-thalassemia allele (Steinberg_1987). These data do not allow any conclusion about variant significance. To our knowledge, no experimental evidence demonstrating an impact on protein function has been reported. The following publication has been ascertained in the context of this evaluation (PMID: 2434529). ClinVar contains an entry for this variant (Variation ID: 15267). Based on the evidence outlined above, the variant was classified as uncertain significance.

ARUP Laboratories, Molecular Genetics and Genomics, ARUP Laboratories
Classification: Uncertain significance. Last evaluated: 2021-06-09. Review status: criteria provided, single submitter. Criteria: ARUP Molecular Germline Variant Investigation Process 2021. Collection method: clinical testing. Allele origin: germline.
Comment: The Hb Mississippi variant (HBB: c.134C>G; p.Ser45Cys, also known as Ser44Cys when numbered from the mature protein, rs34868397) is reported to be a mildly unstable hemoglobin variant. Hb Mississippi heterozygotes are clinically and hematologically normal, however, Hb Mississippi in trans to a Beta(+)-thalassemia allele is reported to cause a thalassemia intermedia phenotype (Steinberg 1987). The Hb Mississippi variant is absent from the Genome Aggregation Database, indicating it is not a common polymorphism. The serine at codon 45 is highly conserved, and computational analyses predict that this variant is deleterious (REVEL: 0.711). However, due to limited information, the clinical significance of this variant is uncertain at this time. REFERENCES HbVar link to Hb Mississippi: Steinberg MH et al. Hemoglobin Mississippi (beta 44ser----cys). Studies of the thalassemic phenotype in a mixed heterozygote with beta +-thalassemia. J Clin Invest. 1987 Mar;79(3):826-32. PMID: 2434529.

OMIM
Classification: Pathogenic for HEMOGLOBIN MISSISSIPPI. Last evaluated: 1978-01-01. Review status: no assertion criteria provided. Collection method: literature only. Allele origin: germline. Not counted in ClinVar's aggregate classification.

Literature cited by the submitters: PubMed 2434529 (cited by Quest Diagnostics Nichols Institute San Juan Capistrano and Women's Health and Genetics/Laboratory Corporation of America, LabCorp); PubMed 19429541 (cited by Quest Diagnostics Nichols Institute San Juan Capistrano); PubMed 721609 (cited by OMIM); PubMed 4283785 (cited by OMIM).

NM_000518.5(HBB):c.134C>G (p.Ser45Cys)

Genes: HBB (hemoglobin subunit beta; minus strand), LOC106099062 (HBB recombination region; plus strand), LOC107133510 (origin of replication at HBB; plus strand). Cytogenetic location: 11p15.4.
Variant type: single nucleotide variant.
Coding change: c.134C>G on transcript NM_000518.5 (MANE Select); coding-DNA position 134, C replaced by G.
Protein change: p.Ser45Cys; replaces serine 45 with cysteine.
Molecular consequence: missense variant.
Genome position (GRCh38, 1-based): chr11:5,226,758, G>C on the plus strand (C>G on the coding strand, the complement: HBB is on the minus strand). VCF-style: chr11-5226758-G-C. GRCh37 (hg19) VCF-style: chr11-5247988-G-C.
Other names: S44C; Hb Mississippi; Hb MS; c.134C>G (NM_000518.4); short protein forms S45C.
Identifiers: ClinVar variation 15267 (VCV000015267.11), dbSNP rs34868397, ClinGen allele CA125030.